The following is an entry in ClinVar:

ClinVar aggregate classification (germline): Uncertain significance (1 of 4 stars; one submission).

Submission:

Labcorp Genetics (formerly Invitae), Labcorp
Classification: Uncertain significance. Last evaluated: 2022-07-23. Review status: criteria provided, single submitter. Criteria: Invitae Variant Classification Sherloc (09022015). Collection method: clinical testing. Allele origin: germline.
Comment: This sequence change replaces glycine, which is neutral and non-polar, with arginine, which is basic and polar, at codon 898 of the UNC80 protein (p.Gly898Arg). In summary, the available evidence is currently insufficient to determine the role of this variant in disease. Therefore, it has been classified as a Variant of Uncertain Significance. Algorithms developed to predict the effect of missense changes on protein structure and function are either unavailable or do not agree on the potential impact of this missense change (SIFT: "Not Available"; PolyPhen-2: "Probably Damaging"; Align-GVGD: "Not Available"). This variant has not been reported in the literature in individuals affected with UNC80-related conditions. This variant is not present in population databases (gnomAD no frequency).

NM_001371986.1(UNC80):c.2692G>C (p.Gly898Arg)

Gene: UNC80 (unc-80 subunit of NALCN channel complex; plus strand). Cytogenetic location: 2q34.
Variant type: single nucleotide variant.
Coding change: c.2692G>C on transcript NM_001371986.1 (MANE Select); coding-DNA position 2692, G replaced by C.
Protein change: p.Gly898Arg; replaces glycine 898 with arginine.
Molecular consequence: missense variant.
Genome position (GRCh38, 1-based): chr2:209,831,508, G>C. VCF-style: chr2-209831508-G-C. GRCh37 (hg19) VCF-style: chr2-210696232-G-C.
Other names: c.2692G>C, p.Gly898Arg (NM_032504.2); c.2677G>C, p.Gly893Arg (NM_182587.4); short protein forms G893R, G898R.
Identifiers: ClinVar variation 1713504 (VCV001713504.5), dbSNP rs2153828634, ClinGen allele CA350411220.
Genomic context (GRCh38, chr2:209,831,508, plus strand): 5'-GCTGGGTTTGGAAATAACTTCACCACAGTGGACAACAAATCCACAGCCCAAAATGTGGAA[G>C]GCATTATCGTCAGCGCCATGTTTAAATCCCTCATCACACGCTGCGCTTCAACCACACATG-3'
Protein context (NP_001358915.1, residues 888-908): DNKSTAQNVE[Gly898Arg]IIVSAMFKSL